The following is an entry in ClinVar:

NM_001999.4(FBN2):c.2333T>C (p.Ile778Thr)

Gene: FBN2 (fibrillin 2; minus strand). Cytogenetic location: 5q23.3.
Variant type: single nucleotide variant.
Coding change: c.2333T>C on transcript NM_001999.4 (MANE Select); coding-DNA position 2333, T replaced by C.
Protein change: p.Ile778Thr; replaces isoleucine 778 with threonine.
Molecular consequence: missense variant.
Genome position (GRCh38, 1-based): chr5:128,364,695, A>G on the plus strand (T>C on the coding strand, the complement: FBN2 is on the minus strand). VCF-style: chr5-128364695-A-G. GRCh37 (hg19) VCF-style: chr5-127700388-A-G.
Other names: short protein forms I778T.
Identifiers: ClinVar variation 4806808 (VCV004806808.1).
Genomic context (GRCh38, chr5:128,364,695, plus strand): 5'-CCACTGTTGCAATTACAACGGTAACTACCACGTAAGTTTTCACAAATCCCATTGGCACAT[A>G]TATCAGGATCCAAAGCACATTCATTGATATCTGCATTAAATATTGAAAGTTTAGTGCTAT-3'
Protein context (NP_001990.2, residues 768-788): DINECALDPD[Ile778Thr]CANGICENLR

ClinVar aggregate classification (germline): Uncertain significance (1 of 4 stars; one submission).

Conditions:
Congenital contractural arachnodactyly (CCA). Also called: BEALS SYNDROME; Arthrogryposis, distal, type 9; Beals-Hecht syndrome. Identifiers: Orphanet 115, MedGen C0220668, MONDO:0007363, OMIM 121050.

gnomAD v4.1: 8 of 1,613,064 alleles (0.0005%); highest among the groups gnomAD compares: Admixed American, 0.0017%; no homozygotes.

Submission:

Labcorp Genetics (formerly Invitae), Labcorp
Classification: Uncertain significance for Congenital contractural arachnodactyly. Last evaluated: 2025-04-29. Review status: criteria provided, single submitter. Criteria: Invitae Variant Classification Sherloc (09022015). Collection method: clinical testing. Allele origin: germline.
Comment: This sequence change replaces isoleucine, which is neutral and non-polar, with threonine, which is neutral and polar, at codon 778 of the FBN2 protein (p.Ile778Thr). This variant is present in population databases (no rsID available, gnomAD 0.003%). This variant has not been reported in the literature in individuals affected with FBN2-related conditions. Invitae Evidence Modeling of protein sequence and biophysical properties (such as structural, functional, and spatial information, amino acid conservation, physicochemical variation, residue mobility, and thermodynamic stability) indicates that this missense variant is not expected to disrupt FBN2 protein function with a negative predictive value of 80%. In summary, the available evidence is currently insufficient to determine the role of this variant in disease. Therefore, it has been classified as a Variant of Uncertain Significance.